The following is an entry in ClinVar:

NM_001141.3(ALOX15B):c.1901G>A (p.Arg634Gln)

Gene: ALOX15B (arachidonate 15-lipoxygenase type B; plus strand). Cytogenetic location: 17p13.1.
Variant type: single nucleotide variant.
Coding change: c.1901G>A on transcript NM_001141.3 (MANE Select); coding-DNA position 1901, G replaced by A.
Protein change: p.Arg634Gln; replaces arginine 634 with glutamine.
Molecular consequence: missense variant.
Genome position (GRCh38, 1-based): chr17:8,048,435, G>A. VCF-style: chr17-8048435-G-A. GRCh37 (hg19) VCF-style: chr17-7951753-G-A.
Other names: c.1814G>A, p.Arg605Gln (NM_001039130.2); c.1679G>A, p.Arg560Gln (NM_001039131.2); short protein forms R605Q, R634Q, R560Q.
Identifiers: ClinVar variation 4640062 (VCV004640062.1).

ClinVar aggregate classification (germline): Uncertain significance (1 of 4 stars; one submission).

Submission:

Ambry Genetics
Classification: Uncertain significance. Last evaluated: 2025-10-07. Review status: criteria provided, single submitter. Criteria: Ambry Variant Classification Scheme 2023. Collection method: clinical testing. Allele origin: germline.
Comment: The c.1901G>A (p.R634Q) alteration is located in exon 14 (coding exon 14) of the ALOX15B gene. This alteration results from a G to A substitution at nucleotide position 1901, causing the arginine (R) at amino acid position 634 to be replaced by a glutamine (Q). Based on data from gnomAD, the A allele has an overall frequency of 0.002% (5/251230) total alleles studied. The highest observed frequency was 0.016% (1/6132) of Other alleles. Based on insufficient or conflicting evidence, the clinical significance of this alteration remains unclear.